The following is an entry in ClinVar:

NM_001267550.2(TTN):c.30394C>G (p.His10132Asp)

Gene: TTN (titin; minus strand). Cytogenetic location: 2q31.2.
Variant type: single nucleotide variant.
Coding change: c.30394C>G on transcript NM_001267550.2 (MANE Select); coding-DNA position 30394, C replaced by G.
Protein change: p.His10132Asp; replaces histidine 10132 with aspartic acid.
Molecular consequence: missense variant. On other transcripts: intron variant (3).
Genome position (GRCh38, 1-based): chr2:178,702,493, G>C on the plus strand (C>G on the coding strand, the complement: TTN is on the minus strand). VCF-style: chr2-178702493-G-C. GRCh37 (hg19) VCF-style: chr2-179567220-G-C.
Other names: c.29443C>G, p.His9815Asp (NM_001256850.1); c.26662C>G, p.His8888Asp (NM_133378.4); c.13282+35589C>G (NM_003319.4); c.13858+35589C>G (NM_133437.4); c.13657+35589C>G (NM_133432.3); short protein forms H10132D, H9815D, H8888D.
Identifiers: ClinVar variation 4056030 (VCV004056030.1).

ClinVar aggregate classification (germline): Uncertain significance (1 of 4 stars; one submission).

Submission:

GeneDx
Classification: Uncertain significance. Last evaluated: 2025-01-07. Review status: criteria provided, single submitter. Criteria: GeneDx Variant Classification Process June 2021. Collection method: clinical testing. Allele origin: germline. Affected: yes.
Comment: Not observed at significant frequency in large population cohorts (gnomAD); Missense variant in a gene in which most reported pathogenic variants are truncating/loss of function; Has not been previously published as pathogenic or benign to our knowledge